The following is an entry in ClinVar:

ClinVar aggregate classification (germline): Uncertain significance (1 of 4 stars; one submission).

Submission:

Labcorp Genetics (formerly Invitae), Labcorp
Classification: Uncertain significance. Last evaluated: 2020-02-18. Review status: criteria provided, single submitter. Criteria: Invitae Variant Classification Sherloc (09022015). Collection method: clinical testing. Allele origin: germline.
Comment: This sequence change replaces glutamic acid with glutamine at codon 1231 of the SZT2 protein (p.Glu1231Gln). The glutamic acid residue is highly conserved and there is a small physicochemical difference between glutamic acid and glutamine. This variant is not present in population databases (ExAC no frequency). This variant has not been reported in the literature in individuals with SZT2-related conditions. Algorithms developed to predict the effect of missense changes on protein structure and function (SIFT, PolyPhen-2, Align-GVGD) all suggest that this variant is likely to be tolerated, but these predictions have not been confirmed by published functional studies and their clinical significance is uncertain. In summary, the available evidence is currently insufficient to determine the role of this variant in disease. Therefore, it has been classified as a Variant of Uncertain Significance.

NM_001365999.1(SZT2):c.3862G>C (p.Glu1288Gln)

Gene: SZT2 (SZT2 subunit of KICSTOR complex; plus strand). Cytogenetic location: 1p34.2.
Variant type: single nucleotide variant.
Coding change: c.3862G>C on transcript NM_001365999.1 (MANE Select); coding-DNA position 3862, G replaced by C.
Protein change: p.Glu1288Gln; replaces glutamic acid 1288 with glutamine.
Molecular consequence: missense variant.
Genome position (GRCh38, 1-based): chr1:43,428,061, G>C. VCF-style: chr1-43428061-G-C. GRCh37 (hg19) VCF-style: chr1-43893732-G-C.
Other names: c.3691G>C, p.Glu1231Gln (NM_015284.4); short protein forms E1288Q, E1231Q.
Identifiers: ClinVar variation 1040079 (VCV001040079.9), dbSNP rs1653397377, ClinGen allele CA340019464.